The following is an entry in ClinVar:

NM_005998.5(CCT3):c.791dup (p.Thr265fs)

Gene: CCT3 (chaperonin containing TCP1 subunit 3; minus strand). Cytogenetic location: 1q22.
Variant type: Duplication.
Coding change: c.791dup on transcript NM_005998.5 (MANE Select); coding-DNA position 791, one base duplicated (T; older notation c.791dupT).
Protein change: p.Thr265fs; shifts the reading frame from threonine 265.
Molecular consequence: frameshift variant. On other transcripts: non-coding transcript variant (2).
Genome position (GRCh38, 1-based): chr1:156,317,516, A duplicated on the plus strand (T on the coding strand, the reverse complement: CCT3 is on the minus strand); the first of 2 consecutive A bases (chr1:156,317,516-156,317,517); duplicating either gives the same sequence. VCF-style (leftmost placement, unchanged base first): chr1-156317515-G-GA. GRCh37 (hg19) VCF-style: chr1-156287306-G-GA.
Other names: c.677dup, p.Thr227fs (NM_001008800.3); short protein forms T227fs, T265fs.
Identifiers: ClinVar variation 3778716 (VCV003778716.1).
Genomic context (GRCh38, chr1:156,317,515, plus strand): 5'-TTGGATAATGTCCTCACAGAGCTGCTGGATGTACTCTTCCTCCATCTGGAGAATTCGGGT[G>GA]AAGTCCTCCTCTCGTGTAATCTCAATGTCAGTCTGTGTGGTAAAGAAAAGACACTGATTT-3'

ClinVar aggregate classification (germline): Pathogenic (1 of 4 stars; one submission).

Conditions:
Neurodevelopmental disorder with speech or visual impairment and brain hypomyelination. Identifiers: MedGen C5975545, MONDO:0976125, OMIM 621034.

Submission:

Institute of Human Genetics, University of Leipzig Medical Center
Classification: Pathogenic for Neurodevelopmental disorder with speech or visual impairment and brain hypomyelination. Last evaluated: 2025-03-07. Review status: criteria provided, single submitter. Criteria: ACMG Guidelines, 2015. Collection method: clinical testing. Allele origin: unknown. Inheritance: Autosomal dominant inheritance. Affected: yes.
Comment: Criteria applied: PVS1,PM2